The following is an entry in ClinVar:

ClinVar aggregate classification (germline): Uncertain significance. Review status: criteria provided, multiple submitters, no conflicts (2 of 4 stars). 2 submissions from 2 submitters: Uncertain significance (2). Last evaluated 2024-06-10.

Conditions:
Dystonic disorder. Also called: Dystonia. Identifiers: MedGen C0013421, MONDO:0003441, HP:0001332.

Allele frequency attached by ClinVar (database versions not stated): gnomAD 0.00001; TOPMed 0.00002.
gnomAD v4.1: 8 of 1,612,660 alleles (0.0005%); highest among the groups gnomAD compares: African/African-American, 0.0013%; no homozygotes.

Submissions (2):

GeneDx
Classification: Uncertain significance. Last evaluated: 2024-06-10. Review status: criteria provided, single submitter. Criteria: GeneDx Variant Classification Process June 2021. Collection method: clinical testing. Allele origin: germline. Affected: yes.
Comment: Not observed at significant frequency in large population cohorts (gnomAD); In silico analysis supports that this missense variant has a deleterious effect on protein structure/function; Has not been previously published as pathogenic or benign to our knowledge

Labcorp Genetics (formerly Invitae), Labcorp
Classification: Uncertain significance for Dystonic disorder. Last evaluated: 2023-10-13. Review status: criteria provided, single submitter. Criteria: Invitae Variant Classification Sherloc (09022015). Collection method: clinical testing. Allele origin: germline.
Comment: This sequence change replaces arginine, which is basic and polar, with cysteine, which is neutral and slightly polar, at codon 514 of the ANO3 protein (p.Arg514Cys). This variant is not present in population databases (gnomAD no frequency). This variant has not been reported in the literature in individuals affected with ANO3-related conditions. ClinVar contains an entry for this variant (Variation ID: 1308621). Advanced modeling of protein sequence and biophysical properties (such as structural, functional, and spatial information, amino acid conservation, physicochemical variation, residue mobility, and thermodynamic stability) performed at Invitae indicates that this missense variant is expected to disrupt ANO3 protein function. In summary, the available evidence is currently insufficient to determine the role of this variant in disease. Therefore, it has been classified as a Variant of Uncertain Significance.

NM_031418.4(ANO3):c.1540C>T (p.Arg514Cys)

Gene: ANO3 (anoctamin 3; plus strand). Cytogenetic location: 11p14.2.
Variant type: single nucleotide variant.
Coding change: c.1540C>T on transcript NM_031418.4 (MANE Select); coding-DNA position 1540, C replaced by T.
Protein change: p.Arg514Cys; replaces arginine 514 with cysteine.
Molecular consequence: missense variant.
Genome position (GRCh38, 1-based): chr11:26,598,867, C>T. VCF-style: chr11-26598867-C-T. GRCh37 (hg19) VCF-style: chr11-26620414-C-T.
Other names: c.1723C>T, p.Arg575Cys (NM_001313726.2); c.1102C>T, p.Arg368Cys (NM_001313727.2); short protein forms R368C, R514C, R575C.
Identifiers: ClinVar variation 1308621 (VCV001308621.6), dbSNP rs1161758979, ClinGen allele CA379940371.
Genomic context (GRCh38, chr11:26,598,867, plus strand): 5'-TTTTTTTAGTTTATGGCTTTGATATTTAGATAACTTTCGTTTCTCTCATAGGAAACACTT[C>T]GTCCCCAGTTTGAAGCCAAGTATTACAAGATGGAGATTGTAAATCCCATCACGGGAAAAC-3'
Protein context (NP_113606.2, residues 504-524): IEWEEEEETL[Arg514Cys]PQFEAKYYKM